The following is an entry in ClinVar:

ClinVar aggregate classification (germline): Likely pathogenic (1 of 4 stars; one submission).

Conditions:
Autosomal recessive limb-girdle muscular dystrophy type 2J (LGMDR10). Also called: Limb-girdle muscular dystrophy, type 2J; MUSCULAR DYSTROPHY, LIMB-GIRDLE, AUTOSOMAL RECESSIVE 10. Identifiers: Orphanet 140922, MedGen C1837342, MONDO:0012127, OMIM 608807.
Dilated cardiomyopathy 1G (CMD1G). Identifiers: Orphanet 154, MedGen C1858763, MONDO:0011400, OMIM 604145.

Submission:

Labcorp Genetics (formerly Invitae), Labcorp
Classification: Likely pathogenic for Dilated cardiomyopathy 1G; Autosomal recessive limb-girdle muscular dystrophy type 2J. Last evaluated: 2022-02-18. Review status: criteria provided, single submitter. Criteria: Invitae Variant Classification Sherloc (09022015). Collection method: clinical testing. Allele origin: germline.
Comment: This sequence change creates a premature translational stop signal (p.Pro23342Leufs*5) in the TTN gene. While this is not anticipated to result in nonsense mediated decay, it is expected to create a truncated TTN protein. In summary, the currently available evidence indicates that the variant is pathogenic, but additional data are needed to prove that conclusively. Therefore, this variant has been classified as Likely Pathogenic. This variant is located in the A band of TTN (PMID: 25589632). Truncating variants in this region are significantly overrepresented in patients affected with dilated cardiomyopathy (PMID: 25589632). Truncating variants in this region have also been reported in individuals affected with autosomal recessive centronuclear myopathy (PMID: 23975875). This variant has not been reported in the literature in individuals affected with TTN-related conditions. This variant is not present in population databases (gnomAD no frequency).

Literature cited by the submitters: PubMed 25589632; PubMed 23975875.

NM_001267550.2(TTN):c.70025del (p.Pro23342fs)

Genes: TTN (titin; minus strand), TTN-AS1 (TTN antisense RNA 1; plus strand), LOC126806422 (BRD4-independent group 4 enhancer GRCh37_chr2:179440205-179441404; plus strand). Cytogenetic location: 2q31.2.
Variant type: Deletion.
Coding change: c.70025del on transcript NM_001267550.2 (MANE Select); coding-DNA position 70025, one base deleted (C; older notation c.70025delC).
Protein change: p.Pro23342fs; shifts the reading frame from proline 23342.
Molecular consequence: frameshift variant.
Genome position (GRCh38, 1-based): chr2:178,576,107, G deleted on the plus strand (C on the coding strand, the reverse complement: TTN is on the minus strand); the first of 2 consecutive G bases (chr2:178,576,107-178,576,108); deleting either gives the same sequence. VCF-style (leftmost placement, unchanged base first): chr2-178576106-AG-A. GRCh37 (hg19) VCF-style: chr2-179440833-AG-A.
Other names: c.65102del, p.Pro21701fs (NM_001256850.1); c.42830del, p.Pro14277fs (NM_003319.4); c.62321del, p.Pro20774fs (NM_133378.4); c.43205del, p.Pro14402fs (NM_133432.3); c.43406del, p.Pro14469fs (NM_133437.4); short protein forms P14277fs, P14402fs, P21701fs, P14469fs, P20774fs, P23342fs.
Identifiers: ClinVar variation 2099073 (VCV002099073.4), dbSNP rs2468712267, ClinGen allele CA2580064935.